The following is an entry in ClinVar:

NM_001040142.2(SCN2A):c.3802G>C (p.Val1268Leu)

Gene: SCN2A (sodium voltage-gated channel alpha subunit 2; plus strand). Cytogenetic location: 2q24.3.
Variant type: single nucleotide variant.
Coding change: c.3802G>C on transcript NM_001040142.2 (MANE Select); coding-DNA position 3802, G replaced by C.
Protein change: p.Val1268Leu; replaces valine 1268 with leucine.
Molecular consequence: missense variant.
Genome position (GRCh38, 1-based): chr2:165,370,252, G>C. VCF-style: chr2-165370252-G-C. GRCh37 (hg19) VCF-style: chr2-166226762-G-C.
Other names: c.3802G>C, p.Val1268Leu (NM_001040143.2, NM_001371246.1, NM_001371247.1 and 1 more transcripts); short protein forms V1268L.
Identifiers: ClinVar variation 999441 (VCV000999441.9), dbSNP rs1700956689, ClinGen allele CA349028243.

ClinVar aggregate classification (germline): Uncertain significance (1 of 4 stars; one submission).

Conditions:
Developmental and epileptic encephalopathy, 11 (DEE11). Also called: Early infantile epileptic encephalopathy 11. Identifiers: Orphanet 1934, MedGen C3150987, MONDO:0013388, OMIM 613721.
Seizures, benign familial infantile, 3 (BFIS3). Also called: Familial neonatal seizures; CONVULSIONS, BENIGN FAMILIAL INFANTILE, 3. Identifiers: Orphanet 140927, Orphanet 306, MedGen C1843140, MONDO:0011904, OMIM 607745.

Submission:

Labcorp Genetics (formerly Invitae), Labcorp
Classification: Uncertain significance for Seizures, benign familial infantile, 3; Developmental and epileptic encephalopathy, 11. Last evaluated: 2020-07-31. Review status: criteria provided, single submitter. Criteria: Invitae Variant Classification Sherloc (09022015). Collection method: clinical testing. Allele origin: germline.
Comment: In summary, the available evidence is currently insufficient to determine the role of this variant in disease. Therefore, it has been classified as a Variant of Uncertain Significance. Algorithms developed to predict the effect of missense changes on protein structure and function (SIFT, PolyPhen-2, Align-GVGD) all suggest that this variant is likely to be tolerated, but these predictions have not been confirmed by published functional studies and their clinical significance is uncertain. This variant has not been reported in the literature in individuals with SCN2A-related conditions. This variant is not present in population databases (ExAC no frequency). This sequence change replaces valine with leucine at codon 1268 of the SCN2A protein (p.Val1268Leu). The valine residue is weakly conserved and there is a small physicochemical difference between valine and leucine.